The following is an entry in ClinVar:

ClinVar aggregate classification (germline): Uncertain significance. Review status: criteria provided, multiple submitters, no conflicts (2 of 4 stars). 4 submissions from 4 submitters: Uncertain significance (3). 1 of the submissions does not count toward it. Last evaluated 2022-07-23.

Conditions:
Zellweger spectrum disorders (ZS). Also called: Zellweger syndrome; Zellweger Spectrum Disorder (ZSD); Zellweger Spectrum Disorder; Zellweger Spectrum. Identifiers: Orphanet 912, MedGen C0043459, MONDO:0019609.

Allele frequency attached by ClinVar (database versions not stated): gnomAD exomes below 0.00001; TOPMed 0.00001.
gnomAD v4.1: 3 of 1,613,960 alleles (0.00019%); highest among the groups gnomAD compares: Admixed American, 0.0033%; no homozygotes.

Submissions (4):

Labcorp Genetics (formerly Invitae), Labcorp
Classification: Uncertain significance for Zellweger spectrum disorders. Last evaluated: 2022-07-23. Review status: criteria provided, single submitter. Criteria: Invitae Variant Classification Sherloc (09022015). Collection method: clinical testing. Allele origin: germline.
Comment: This sequence change replaces serine, which is neutral and polar, with threonine, which is neutral and polar, at codon 797 of the PEX1 protein (p.Ser797Thr). This variant is not present in population databases (gnomAD no frequency). This variant has not been reported in the literature in individuals affected with PEX1-related conditions. ClinVar contains an entry for this variant (Variation ID: 860508). Algorithms developed to predict the effect of missense changes on protein structure and function (SIFT, PolyPhen-2, Align-GVGD) all suggest that this variant is likely to be tolerated. In summary, the available evidence is currently insufficient to determine the role of this variant in disease. Therefore, it has been classified as a Variant of Uncertain Significance.

Blueprint Genetics
Classification: Uncertain significance. Last evaluated: 2021-09-25. Review status: criteria provided, single submitter. Criteria: ACMG Guidelines, 2015. Collection method: clinical testing. Allele origin: germline.

Breakthrough Genomics
Classification: Uncertain significance. Review status: criteria provided, single submitter. Criteria: ACMG Guidelines, 2015. Collection method: not provided. Allele origin: germline. Inheritance: Autosomal recessive inheritance. Affected: yes.

Natera, Inc.
Classification: Uncertain significance for Zellweger syndrome. Last evaluated: 2020-09-16. Review status: no assertion criteria provided. Collection method: clinical testing. Allele origin: germline. Not counted in ClinVar's aggregate classification.

NM_000466.3(PEX1):c.2389T>A (p.Ser797Thr)

Gene: PEX1 (peroxisomal biogenesis factor 1; minus strand). Cytogenetic location: 7q21.2.
Variant type: single nucleotide variant.
Coding change: c.2389T>A on transcript NM_000466.3 (MANE Select); coding-DNA position 2389, T replaced by A.
Protein change: p.Ser797Thr; replaces serine 797 with threonine.
Molecular consequence: missense variant.
Genome position (GRCh38, 1-based): chr7:92,501,917, A>T on the plus strand (T>A on the coding strand, the complement: PEX1 is on the minus strand). VCF-style: chr7-92501917-A-T. GRCh37 (hg19) VCF-style: chr7-92131231-A-T.
Other names: c.2218T>A, p.Ser740Thr (NM_001282677.2); c.1765T>A, p.Ser589Thr (NM_001282678.2); short protein forms S589T, S740T, S797T.
Identifiers: ClinVar variation 860508 (VCV000860508.46), dbSNP rs1024476499, ClinGen allele CA161960314.